The following is an entry in ClinVar:

NM_005052.3(RAC3):c.50C>G (p.Thr17Arg)

Gene: RAC3 (Rac family small GTPase 3; plus strand). Cytogenetic location: 17q25.3.
Variant type: single nucleotide variant.
Coding change: c.50C>G on transcript NM_005052.3 (MANE Select); coding-DNA position 50, C replaced by G.
Protein change: p.Thr17Arg; replaces threonine 17 with arginine.
Molecular consequence: missense variant.
Genome position (GRCh38, 1-based): chr17:82,032,401, C>G. VCF-style: chr17-82032401-C-G. GRCh37 (hg19) VCF-style: chr17-79990277-C-G.
Other names: c.50C>G, p.Thr17Arg (NM_001316307.2); short protein forms T17R.
Identifiers: ClinVar variation 5016900 (VCV005016900.1).

ClinVar aggregate classification (germline): Pathogenic (1 of 4 stars; one submission).

Submission:

GeneDx
Classification: Pathogenic. Last evaluated: 2026-01-15. Review status: criteria provided, single submitter. Criteria: GeneDx Variant Classification Process June 2021. Collection method: clinical testing. Allele origin: germline.
Comment: Published functional studies demonstrate p.(T17R) remains bound to GDP and GTP which prevents GTP hydrolysis, leading to decreased neuronal migrations, axonal growth and axonal branching (PMID: 41090727); In silico analysis supports that this missense variant has a deleterious effect on protein structure/function; Not observed at significant frequency in large population cohorts (gnomAD); This variant is associated with the following publications: (PMID: 41090727)